The following is an entry in ClinVar:

ClinVar aggregate classification (germline): Pathogenic (1 of 4 stars; one submission).

Conditions:
Retinoblastoma (RB1). Also called: RETINOBLASTOMA, SOMATIC. Identifiers: Orphanet 790, MedGen C0035335, MeSH D012175, MONDO:0008380, OMIM 180200, HP:0009919. Disease mechanism: loss of function. Inheritance: Both sporadic and heritable forms are tested..

Submission:

Labcorp Genetics (formerly Invitae), Labcorp
Classification: Pathogenic for Retinoblastoma. Last evaluated: 2019-04-07. Review status: criteria provided, single submitter. Criteria: Invitae Variant Classification Sherloc (09022015). Collection method: clinical testing. Allele origin: germline.
Comment: This variant is a gross deletion of the genomic region encompassing exons 18-27 of the RB1 gene. The 5' boundary is likely confined to intron 17. The 3' end of this event is unknown as it extends through the termination codon beyond the assayed region for this gene and may encompass additional genes. While this deletion is not anticipated to result in nonsense mediated decay, it is expected to create a truncated protein product or disrupt mRNA translation. A similar deletion of exons 18-27 has been observed in the germline of individuals affected with bilateral retinoblastoma (PMID: 23301675, 12541220). This variant disrupts the C-terminus of the RB1 protein. Other variant(s) that disrupt this region (Deletion of exons 25-26) have been determined to be pathogenic (PMID:24688104, Invitae). This suggests that variants that disrupt this region of the protein are likely to be causative of disease. For these reasons, this variant has been classified as Pathogenic.

Literature cited by the submitters: PubMed 23301675; PubMed 24688104; PubMed 12541220.

NC_000013.11:g.(?_48452983)_(48480081_?)del

Gene: RB1 (RB transcriptional corepressor 1; plus strand). Cytogenetic location: 13q14.2.
Variant type: Deletion.
Identifiers: ClinVar variation 830414 (VCV000830414.1).